The following is an entry in ClinVar:

ClinVar aggregate classification (germline): Uncertain significance (1 of 4 stars; one submission).

Conditions:
Cardiovascular phenotype. Identifiers: MedGen CN230736.

gnomAD v4.1: 2 of 1,612,574 alleles (0.00012%); highest among the groups gnomAD compares: African/African-American, 0.0027%; no homozygotes.

Submission:

Ambry Genetics
Classification: Uncertain significance for Cardiovascular phenotype. Last evaluated: 2025-09-23. Review status: criteria provided, single submitter. Criteria: Ambry Variant Classification Scheme 2023. Collection method: clinical testing. Allele origin: germline.
Comment: The p.E3377K variant (also known as c.10129G>A), located in coding exon 29 of the TNXB gene, results from a G to A substitution at nucleotide position 10129. The glutamic acid at codon 3377 is replaced by lysine, an amino acid with similar properties. This amino acid position is well conserved in available vertebrate species. In addition, this alteration is predicted to be tolerated by in silico analysis. Based on the available evidence, the clinical significance of this variant remains unclear.

NM_001365276.2(TNXB):c.10135G>A (p.Glu3379Lys)

Gene: TNXB (tenascin XB; minus strand). Cytogenetic location: 6p21.33.
Variant type: single nucleotide variant.
Coding change: c.10135G>A on transcript NM_001365276.2 (MANE Select); coding-DNA position 10135, G replaced by A.
Protein change: p.Glu3379Lys; replaces glutamic acid 3379 with lysine.
Molecular consequence: missense variant.
Genome position (GRCh38, 1-based): chr6:32,047,923, C>T on the plus strand (G>A on the coding strand, the complement: TNXB is on the minus strand). VCF-style: chr6-32047923-C-T. GRCh37 (hg19) VCF-style: chr6-32015700-C-T.
Other names: c.10876G>A, p.Glu3626Lys (NM_001428335.1); c.10129G>A, p.Glu3377Lys (NM_019105.8); short protein forms E3379K, E3377K, E3626K.
Identifiers: ClinVar variation 4615140 (VCV004615140.1).
Genomic context (GRCh38, chr6:32,047,923, plus strand): 5'-CCACCTGGAGCCGACCATCCTTATCCTTGTACTGGACCACGAAGGAGTCGAATTCGCCCT[C>T]AGGGACCGTCCACGAGAGGCCCACGGAGTCAGGGGTCGCATCTGTCACAGTCAGCTCCCC-3'
Protein context (NP_001352205.1, residues 3369-3389): DSVGLSWTVP[Glu3379Lys]GEFDSFVVQY